The following is an entry in ClinVar:

ClinVar aggregate classification (germline): Likely pathogenic. Review status: criteria provided, multiple submitters, no conflicts (2 of 4 stars). 2 submissions from 2 submitters: Likely pathogenic (2). Last evaluated 2023-02-08.

Conditions:
Hereditary spastic paraplegia 50 (SPG50). Also called: Spastic paraplegia 50, autosomal recessive. Identifiers: Orphanet 280763, MedGen C2752008, MONDO:0013048, OMIM 612936.

Allele frequency attached by ClinVar (database versions not stated): gnomAD exomes below 0.00001; TOPMed below 0.00001.
gnomAD v4.1: 1 of 1,614,174 alleles (0.000062%); highest among the groups gnomAD compares: African/African-American, 0.0013%; no homozygotes.

Submissions (2):

Greenwood Genetic Center Diagnostic Laboratories, Greenwood Genetic Center
Classification: Likely pathogenic for Hereditary spastic paraplegia 50. Last evaluated: 2023-02-08. Review status: criteria provided, single submitter. Criteria: ACMG Guidelines, 2015. Collection method: clinical testing. Allele origin: germline. Affected: yes.
Comment: PVS1, PM2

Labcorp Genetics (formerly Invitae), Labcorp
Classification: Likely pathogenic for Hereditary spastic paraplegia 50. Last evaluated: 2022-06-10. Review status: criteria provided, single submitter. Criteria: Invitae Variant Classification Sherloc (09022015). Collection method: clinical testing. Allele origin: germline.
Comment: This sequence change affects an acceptor splice site in intron 11 of the AP4M1 gene. It is expected to disrupt RNA splicing. Variants that disrupt the donor or acceptor splice site typically lead to a loss of protein function (PMID: 16199547), and loss-of-function variants in AP4M1 are known to be pathogenic (PMID: 24700674, 25496299, 25558065). This variant is not present in population databases (gnomAD no frequency). In summary, the currently available evidence indicates that the variant is pathogenic, but additional data are needed to prove that conclusively. Therefore, this variant has been classified as Likely Pathogenic. Algorithms developed to predict the effect of sequence changes on RNA splicing suggest that this variant may disrupt the consensus splice site. This variant has not been reported in the literature in individuals affected with AP4M1-related conditions.

Literature cited by the submitters: PubMed 16199547 (cited by Labcorp Genetics (formerly Invitae), Labcorp); PubMed 24700674 (cited by Labcorp Genetics (formerly Invitae), Labcorp); PubMed 25496299 (cited by Labcorp Genetics (formerly Invitae), Labcorp); PubMed 25558065 (cited by Labcorp Genetics (formerly Invitae), Labcorp).

NM_004722.4(AP4M1):c.930-1G>C

Gene: AP4M1 (adaptor related protein complex 4 subunit mu 1; plus strand). Cytogenetic location: 7q22.1.
Variant type: single nucleotide variant.
Coding change: c.930-1G>C on transcript NM_004722.4 (MANE Select); the canonical splice acceptor site of the intron before coding-DNA position 930, G replaced by C.
Molecular consequence: splice acceptor variant.
Genome position (GRCh38, 1-based): chr7:100,105,958, G>C. VCF-style: chr7-100105958-G-C. GRCh37 (hg19) VCF-style: chr7-99703581-G-C.
Other names: c.951-1G>C (NM_001363671.2).
Identifiers: ClinVar variation 2415342 (VCV002415342.8), dbSNP rs973744863, ClinGen allele CA163219029.